The following is an entry in ClinVar:

ClinVar aggregate classification (germline): Likely benign (1 of 4 stars; one submission).

Allele frequency attached by ClinVar (database versions not stated): gnomAD 0.00746 and 0.00797; 1000 Genomes Project 0.00759; TOPMed 0.00800; 1000 Genomes Project 30x 0.00890.
gnomAD v4.1: 2,020 of 1,489,068 alleles (0.14%); highest among the groups gnomAD compares: African/African-American, 2.5%; 26 homozygotes.

Submission:

GeneDx
Classification: Likely benign. Last evaluated: 2018-06-13. Review status: criteria provided, single submitter. Criteria: GeneDx Variant Classification (06012015). Collection method: clinical testing. Allele origin: germline. Affected: yes.
Comment: This variant is considered likely benign or benign based on one or more of the following criteria: it is a conservative change, it occurs at a poorly conserved position in the protein, it is predicted to be benign by multiple in silico algorithms, and/or has population frequency not consistent with disease.

NM_000260.4(MYO7A):c.1690+80C>T

Gene: MYO7A (myosin VIIA; plus strand). Cytogenetic location: 11q13.5.
Variant type: single nucleotide variant.
Coding change: c.1690+80C>T on transcript NM_000260.4 (MANE Select); 80 bases into the intron after coding-DNA position 1690, C replaced by T.
Molecular consequence: intron variant.
Genome position (GRCh38, 1-based): chr11:77,163,068, C>T. VCF-style: chr11-77163068-C-T. GRCh37 (hg19) VCF-style: chr11-76874114-C-T.
Other names: c.1657+80C>T (NM_001369365.1); c.1690+80C>T (NM_001127180.2).
Identifiers: ClinVar variation 679573 (VCV000679573.1), dbSNP rs147468060, ClinGen allele CA224831898.